The following is an entry in ClinVar:

NM_020987.5(ANK3):c.124A>G (p.Asn42Asp)

Gene: ANK3 (ankyrin 3; minus strand). Cytogenetic location: 10q21.2.
Variant type: single nucleotide variant.
Coding change: c.124A>G on transcript NM_020987.5 (MANE Select); coding-DNA position 124, A replaced by G.
Protein change: p.Asn42Asp; replaces asparagine 42 with aspartic acid.
Molecular consequence: missense variant.
Genome position (GRCh38, 1-based): chr10:60,279,630, T>C on the plus strand (A>G on the coding strand, the complement: ANK3 is on the minus strand). VCF-style: chr10-60279630-T-C. GRCh37 (hg19) VCF-style: chr10-62039388-T-C.
Other names: c.106A>G, p.Asn36Asp (NM_001204403.2); c.73A>G, p.Asn25Asp (NM_001204404.2); c.124A>G, p.Asn42Asp (NM_001320874.2); short protein forms N25D, N36D, N42D.
Identifiers: ClinVar variation 4528142 (VCV004528142.1).

ClinVar aggregate classification (germline): Uncertain significance (1 of 4 stars; one submission).

Submission:

GeneDx
Classification: Uncertain significance. Last evaluated: 2025-05-05. Review status: criteria provided, single submitter. Criteria: GeneDx Variant Classification Process June 2021. Collection method: clinical testing. Allele origin: germline. Affected: yes.
Comment: Not observed at significant frequency in large population cohorts (gnomAD); In silico analysis supports that this missense variant has a deleterious effect on protein structure/function; Has not been previously published as pathogenic or benign to our knowledge